The following is an entry in ClinVar:

ClinVar aggregate classification (germline): Likely benign (1 of 4 stars; one submission).

Allele frequency attached by ClinVar (database versions not stated): TOPMed 0.00003.
gnomAD v4.1: 42 of 1,577,322 alleles (0.0027%); highest among the groups gnomAD compares: Admixed American, 0.0037%; no homozygotes.

Submission:

CeGaT Center for Human Genetics Tuebingen
Classification: Likely benign. Last evaluated: 2023-05-01. Review status: criteria provided, single submitter. Criteria: CeGaT Center For Human Genetics Tuebingen Variant Classification Criteria Version 2. Collection method: clinical testing. Allele origin: germline. Affected: yes. Observed: 1 variant allele.
Comment: ATP11A: BP4, BP7

NM_015205.3(ATP11A):c.108C>T (p.Gly36=)

Gene: ATP11A (ATPase phospholipid transporting 11A; plus strand). Cytogenetic location: 13q34.
Variant type: single nucleotide variant.
Coding change: c.108C>T on transcript NM_015205.3 (MANE Select); coding-DNA position 108, C replaced by T.
Protein change: p.Gly36=; no amino-acid change (glycine 36 retained).
Molecular consequence: synonymous variant.
Genome position (GRCh38, 1-based): chr13:112,785,203, C>T. VCF-style: chr13-112785203-C-T. GRCh37 (hg19) VCF-style: chr13-113439517-C-T.
Other names: c.108C>T, p.Gly36= (NM_001405661.1, NM_001405662.1, NM_001405663.1 and 1 more transcripts).
Identifiers: ClinVar variation 2643965 (VCV002643965.24), dbSNP rs753156635, ClinGen allele CA7056217.